The following is an entry in ClinVar:

ClinVar aggregate classification (germline): Uncertain significance. Review status: criteria provided, multiple submitters, no conflicts (2 of 4 stars). 4 submissions from 4 submitters: Uncertain significance (4). Last evaluated 2025-10-06.

Conditions:
2-aminoadipic 2-oxoadipic aciduria (AAKAD). Also called: ALPHA-AMINOADIPIC AND ALPHA-KETOADIPIC ACIDURIA; Aminoadipic aciduria. Identifiers: Orphanet 79154, MedGen C1859817, MONDO:0008774, OMIM 204750.

Allele frequency attached by ClinVar (database versions not stated): TOPMed 0.00002; 1000 Genomes Project 30x 0.00047; 1000 Genomes Project 0.00060.
gnomAD v4.1: 53 of 1,613,486 alleles (0.0033%); highest among the groups gnomAD compares: Admixed American, 0.045%; no homozygotes.

Submissions (4):

Labcorp Genetics (formerly Invitae), Labcorp
Classification: Uncertain significance for 2-aminoadipic 2-oxoadipic aciduria. Last evaluated: 2025-10-06. Review status: criteria provided, single submitter. Criteria: Invitae Variant Classification Sherloc (09022015). Collection method: clinical testing. Allele origin: germline.
Comment: This sequence change replaces threonine, which is neutral and polar, with lysine, which is basic and polar, at codon 461 of the DHTKD1 protein (p.Thr461Lys). This variant is present in population databases (rs201559023, gnomAD 0.04%). This variant has not been reported in the literature in individuals affected with DHTKD1-related conditions. ClinVar contains an entry for this variant (Variation ID: 1029711). An algorithm developed to predict the effect of missense changes on protein structure and function (PolyPhen-2) suggests that this variant is likely to be tolerated. In summary, the available evidence is currently insufficient to determine the role of this variant in disease. Therefore, it has been classified as a Variant of Uncertain Significance.

Department of Pathology and Laboratory Medicine, Sinai Health System
Classification: Uncertain significance for 2-aminoadipic 2-oxoadipic aciduria. Last evaluated: 2022-12-05. Review status: criteria provided, single submitter. Criteria: ACMG Guidelines, 2015. Collection method: research. Allele origin: germline.

Mayo Clinic Laboratories, Mayo Clinic
Classification: Uncertain significance. Last evaluated: 2019-07-07. Review status: criteria provided, single submitter. Criteria: ACMG Guidelines, 2015. Collection method: clinical testing. Allele origin: germline. Observed: 1 variant allele.

Baylor Genetics
Classification: Uncertain significance for 2-aminoadipic 2-oxoadipic aciduria. Last evaluated: 2019-02-13. Review status: criteria provided, single submitter. Criteria: ACMG Guidelines, 2015. Collection method: clinical testing. Allele origin: unknown. Affected: yes.
Comment: This variant was determined to be of uncertain significance according to ACMG Guidelines, 2015 [PMID:25741868].

NM_018706.7(DHTKD1):c.1382C>A (p.Thr461Lys)

Gene: DHTKD1 (dehydrogenase E1 and transketolase domain containing 1; plus strand). Cytogenetic location: 10p14.
Variant type: single nucleotide variant.
Coding change: c.1382C>A on transcript NM_018706.7 (MANE Select); coding-DNA position 1382, C replaced by A.
Protein change: p.Thr461Lys; replaces threonine 461 with lysine.
Molecular consequence: missense variant.
Genome position (GRCh38, 1-based): chr10:12,097,707, C>A. VCF-style: chr10-12097707-C-A. GRCh37 (hg19) VCF-style: chr10-12139706-C-A.
Other names: short protein forms T461K.
Identifiers: ClinVar variation 1029711 (VCV001029711.11), dbSNP rs201559023, ClinGen allele CA5407842.
Genomic context (GRCh38, chr10:12,097,707, plus strand): 5'-GTCAGACTGATTTTTGTTTCTTCTCTTTCTTGGGCAGAGCTCGAAAGAGCATTCCAGACA[C>A]ATATGCAGAGCACCTCATTGCTGGCGGACTCATGACGCAGGAGGAGGTGTCTGAAATAAA-3'
Protein context (NP_061176.4, residues 451-471): IIRARKSIPD[Thr461Lys]YAEHLIAGGL